The following is an entry in ClinVar:

NM_022132.5(MCCC2):c.281+1G>T

Gene: MCCC2 (methylcrotonyl-CoA carboxylase subunit 2; plus strand). Cytogenetic location: 5q13.2.
Variant type: single nucleotide variant.
Coding change: c.281+1G>T on transcript NM_022132.5 (MANE Select); the canonical splice donor site of the intron after coding-DNA position 281, G replaced by T.
Molecular consequence: splice donor variant.
Genome position (GRCh38, 1-based): chr5:71,596,365, G>T. VCF-style: chr5-71596365-G-T. GRCh37 (hg19) VCF-style: chr5-70892192-G-T.
Other names: c.281+1G>T (NM_001363147.1).
Identifiers: ClinVar variation 641697 (VCV000641697.5), dbSNP rs1580273474, ClinGen allele CA360006465.

ClinVar aggregate classification (germline): Likely pathogenic. Review status: criteria provided, multiple submitters, no conflicts (2 of 4 stars). 2 submissions from 2 submitters: Likely pathogenic (2). Last evaluated 2025-04-24.

Conditions:
3-methylcrotonyl-CoA carboxylase 2 deficiency. Also called: METHYLCROTONYLGLYCINURIA, TYPE II; 3 alpha methylcrotonyl-CoA carboxylase 2 deficiency; 3 alpha methylcrotonylglycinuria 2; MCC 2 deficiency; Methylcrotonylglycinuria type 2. Identifiers: Orphanet 6, MedGen C1859499, MONDO:0008862, OMIM 210210.

Submissions (2):

Natera, Inc.
Classification: Likely pathogenic for 3-methylcrotonyl-CoA carboxylase 2 deficiency. Last evaluated: 2025-04-24. Review status: criteria provided, single submitter. Criteria: Natera Variant Classification Schema (03/2026). Collection method: clinical testing. Allele origin: germline.
Comment: The c.281+1G>T variant in MCCC2 is a canonical splice donor site variant predicted to affect pre-mRNA splicing, which may result in an abnormal transcript and altered protein product. This variant is expected to result in nonsense mediated decay, truncation, or a dysfunctional protein product. This variant is rare in the general population with a frequency below the threshold expected for the associated phenotype(s). Given the available evidence, this variant is classified as Likely Pathogenic.

Labcorp Genetics (formerly Invitae), Labcorp
Classification: Likely pathogenic for 3-methylcrotonyl-CoA carboxylase 2 deficiency. Last evaluated: 2021-08-31. Review status: criteria provided, single submitter. Criteria: Invitae Variant Classification Sherloc (09022015). Collection method: clinical testing. Allele origin: germline.